The following is an entry in ClinVar:

NM_000179.3(MSH6):c.2454T>A (p.Leu818=)

Gene: MSH6 (mutS homolog 6; plus strand). Cytogenetic location: 2p16.3.
Variant type: single nucleotide variant.
Coding change: c.2454T>A on transcript NM_000179.3 (MANE Select); coding-DNA position 2454, T replaced by A.
Protein change: p.Leu818=; no amino-acid change (leucine 818 retained).
Molecular consequence: synonymous variant.
Genome position (GRCh38, 1-based): chr2:47,800,437, T>A. VCF-style: chr2-47800437-T-A. GRCh37 (hg19) VCF-style: chr2-48027576-T-A.
Other names: c.2064T>A, p.Leu688= (NM_001281492.2); c.1548T>A, p.Leu516= (NM_001281493.2, NM_001281494.2).
Identifiers: ClinVar variation 480916 (VCV000480916.14), dbSNP rs1553413809, ClinGen allele CA426121917.
Genomic context (GRCh38, chr2:47,800,437, plus strand): 5'-CATGGTTGTGCCTGACAAAATCTCCGAAGTTGTAGAGCTTCTAAAGAAGCTTCCAGATCT[T>A]GAGAGGCTACTCAGTAAAATTCATAATGTTGGGTCTCCCCTGAAGAGTCAGAACCACCCA-3'
Protein context (NP_000170.1, residues 808-828): VVELLKKLPD[Leu818=]ERLLSKIHNV

ClinVar aggregate classification (germline): Benign/Likely benign. Review status: criteria provided, multiple submitters, no conflicts (2 of 4 stars). 3 submissions from 3 submitters: Benign (1); Likely benign (2). Last evaluated 2025-11-22.

Conditions:
Hereditary nonpolyposis colorectal neoplasms. Identifiers: MedGen C0009405, MeSH D003123.
Lynch syndrome 5 (LYNCH5). Also called: Colorectal cancer, hereditary nonpolyposis, type 5; Hereditary non-polyposis colorectal cancer, type 5. Identifiers: Orphanet 144, MedGen C1833477, MONDO:0013710, OMIM 614350. Disease mechanism: loss of function.
Hereditary cancer-predisposing syndrome. Also called: Hereditary Cancer Syndrome; Neoplastic Syndromes, Hereditary; Tumor predisposition; Hereditary neoplastic syndrome. Identifiers: Orphanet 140162, MedGen C0027672, MeSH D009386, MONDO:0015356.

Allele frequency attached by ClinVar (database versions not stated): gnomAD exomes below 0.00001.
gnomAD v4.1: 1 of 1,614,058 alleles (0.000062%); highest among the groups gnomAD compares: Non-Finnish European, 0.000085%; no homozygotes.

Submissions (3):

Labcorp Genetics (formerly Invitae), Labcorp
Classification: Likely benign for Hereditary nonpolyposis colorectal neoplasms. Last evaluated: 2025-11-22. Review status: criteria provided, single submitter. Criteria: Invitae Variant Classification Sherloc (09022015). Collection method: clinical testing. Allele origin: germline.

Myriad Genetics, Inc.
Classification: Benign for Lynch syndrome 5. Last evaluated: 2024-12-31. Review status: criteria provided, single submitter. Criteria: Myriad Autosomal Dominant, Autosomal Recessive and X-Linked Classification Criteria (2023). Collection method: clinical testing. Allele origin: unknown.
Comment: This variant is considered benign. This variant is a silent/synonymous amino acid change and it is not expected to impact splicing.

Ambry Genetics
Classification: Likely benign for Hereditary cancer-predisposing syndrome. Last evaluated: 2016-01-12. Review status: criteria provided, single submitter. Criteria: Ambry Variant Classification Scheme 2023. Collection method: clinical testing. Allele origin: germline.